The following is an entry in ClinVar:

ClinVar aggregate classification (germline): Likely benign (0 of 4 stars; one submission).

Conditions:
ACSS2-related disorder. Also called: ACSS2-related condition.

Allele frequency attached by ClinVar (database versions not stated): TOPMed 0.00001.
gnomAD v4.1: 1 of 1,614,188 alleles (0.000062%); highest among the groups gnomAD compares: Non-Finnish European, 0.000085%; no homozygotes.

Submission:

PreventionGenetics, part of Exact Sciences
Classification: Likely benign for ACSS2-related condition. Last evaluated: 2023-02-24. Review status: no assertion criteria provided. Collection method: clinical testing. Allele origin: germline.
Comment: This variant is classified as likely benign based on ACMG/AMP sequence variant interpretation guidelines (Richards et al. 2015 PMID: 25741868, with internal and published modifications).

NM_018677.4(ACSS2):c.411A>G (p.Thr137=)

Gene: ACSS2 (acyl-CoA synthetase short chain family member 2; plus strand). Cytogenetic location: 20q11.22.
Variant type: single nucleotide variant.
Coding change: c.411A>G on transcript NM_018677.4 (MANE Select); coding-DNA position 411, A replaced by G.
Protein change: p.Thr137=; no amino-acid change (threonine 137 retained).
Molecular consequence: synonymous variant.
Genome position (GRCh38, 1-based): chr20:34,913,132, A>G. VCF-style: chr20-34913132-A-G. GRCh37 (hg19) VCF-style: chr20-33500935-A-G.
Other names: c.411A>G, p.Thr137= (NM_001076552.3); c.126A>G, p.Thr42= (NM_001242393.2).
Identifiers: ClinVar variation 3049519 (VCV003049519.2), dbSNP rs1286003582, ClinGen allele CA510288195.